The following is an entry in ClinVar:

ClinVar aggregate classification (germline): Uncertain significance (1 of 4 stars; one submission).

Conditions:
Hereditary spastic paraplegia 7 (SPG7). Also called: Spastic paraplegia 7; Hereditary spastic paraplegia Paraplegin type; SPG7-related neurologic disorder; SPASTIC PARAPLEGIA 7, AUTOSOMAL RECESSIVE, WITH OR WITHOUT CEREBELLAR ATAXIA; Autosomal recessive spastic paraplegia type 7. Identifiers: Orphanet 99013, MedGen C1846564, MONDO:0011803, OMIM 607259.

Allele frequency attached by ClinVar (database versions not stated): gnomAD exomes below 0.00001.
gnomAD v4.1: 1 of 1,611,766 alleles (0.000062%); highest among the groups gnomAD compares: Non-Finnish European, 0.000085%; no homozygotes.

Submission:

Labcorp Genetics (formerly Invitae), Labcorp
Classification: Uncertain significance for Hereditary spastic paraplegia 7. Last evaluated: 2025-03-17. Review status: criteria provided, single submitter. Criteria: Invitae Variant Classification Sherloc (09022015). Collection method: clinical testing. Allele origin: germline.
Comment: This sequence change replaces lysine, which is basic and polar, with glutamine, which is neutral and polar, at codon 119 of the SPG7 protein (p.Lys119Gln). This variant is not present in population databases (gnomAD no frequency). This variant has not been reported in the literature in individuals affected with SPG7-related conditions. ClinVar contains an entry for this variant (Variation ID: 2149490). Invitae Evidence Modeling of protein sequence and biophysical properties (such as structural, functional, and spatial information, amino acid conservation, physicochemical variation, residue mobility, and thermodynamic stability) has been performed for this missense variant. However, the output from this modeling did not meet the statistical confidence thresholds required to predict the impact of this variant on SPG7 protein function. In summary, the available evidence is currently insufficient to determine the role of this variant in disease. Therefore, it has been classified as a Variant of Uncertain Significance.

NM_003119.4(SPG7):c.355A>C (p.Lys119Gln)

Gene: SPG7 (SPG7 matrix AAA peptidase subunit, paraplegin; plus strand). Cytogenetic location: 16q24.3.
Variant type: single nucleotide variant.
Coding change: c.355A>C on transcript NM_003119.4 (MANE Select); coding-DNA position 355, A replaced by C.
Protein change: p.Lys119Gln; replaces lysine 119 with glutamine.
Molecular consequence: missense variant.
Genome position (GRCh38, 1-based): chr16:89,513,016, A>C. VCF-style: chr16-89513016-A-C. GRCh37 (hg19) VCF-style: chr16-89579424-A-C.
Other names: c.355A>C, p.Lys119Gln (NM_001363850.1, NM_199367.3); short protein forms K119Q.
Identifiers: ClinVar variation 2149490 (VCV002149490.4), dbSNP rs2543681394, ClinGen allele CA397417117.
Genomic context (GRCh38, chr16:89,513,016, plus strand): 5'-TTCTATTTTAACACCTCAAGGTTGAAGCAGAAGAATAAGGAGAAGGATAAGTCGAAGGGG[A>C]AGGCGCCTGAAGAGGACGAAGGTATATTCATCTGATGTTCTTCAGTCAGTAGCTGCCTCT-3'
Protein context (NP_003110.1, residues 109-129): KNKEKDKSKG[Lys119Gln]APEEDEEERR